The following is an entry in ClinVar:

ClinVar aggregate classification (germline): Uncertain significance (1 of 4 stars; one submission).

Conditions:
Charcot-Marie-Tooth disease type 2. Also called: Charcot-Marie-Tooth type 2. Identifiers: Orphanet 64746, MedGen C0270914, MONDO:0018993.

Allele frequency attached by ClinVar (database versions not stated): gnomAD exomes below 0.00001.
gnomAD v4.1: 1 of 1,614,150 alleles (0.000062%); highest among the groups gnomAD compares: African/African-American, 0.0013%; no homozygotes.

Submission:

Labcorp Genetics (formerly Invitae), Labcorp
Classification: Uncertain significance for Charcot-Marie-Tooth disease type 2. Last evaluated: 2022-08-31. Review status: criteria provided, single submitter. Criteria: Invitae Variant Classification Sherloc (09022015). Collection method: clinical testing. Allele origin: germline.
Comment: This sequence change replaces glycine, which is neutral and non-polar, with serine, which is neutral and polar, at codon 284 of the AARS protein (p.Gly284Ser). This variant is present in population databases (no rsID available, gnomAD 0.007%). This variant has not been reported in the literature in individuals affected with AARS-related conditions. Algorithms developed to predict the effect of missense changes on protein structure and function are either unavailable or do not agree on the potential impact of this missense change (SIFT: "Deleterious"; PolyPhen-2: "Probably Damaging"; Align-GVGD: "Class C0"). In summary, the available evidence is currently insufficient to determine the role of this variant in disease. Therefore, it has been classified as a Variant of Uncertain Significance.

NM_001605.3(AARS1):c.850G>A (p.Gly284Ser)

Gene: AARS1 (alanyl-tRNA synthetase 1; minus strand). Cytogenetic location: 16q22.1.
Variant type: single nucleotide variant.
Coding change: c.850G>A on transcript NM_001605.3 (MANE Select); coding-DNA position 850, G replaced by A.
Protein change: p.Gly284Ser; replaces glycine 284 with serine.
Molecular consequence: missense variant.
Genome position (GRCh38, 1-based): chr16:70,269,730, C>T on the plus strand (G>A on the coding strand, the complement: AARS1 is on the minus strand). VCF-style: chr16-70269730-C-T. GRCh37 (hg19) VCF-style: chr16-70303633-C-T.
Other names: short protein forms G284S.
Identifiers: ClinVar variation 2122392 (VCV002122392.4), dbSNP rs1187604406, ClinGen allele CA396564834.